The following is an entry in ClinVar:

ClinVar aggregate classification (germline): Uncertain significance (1 of 4 stars; one submission).

Submission:

Ambry Genetics
Classification: Uncertain significance. Last evaluated: 2023-07-26. Review status: criteria provided, single submitter. Criteria: Ambry Variant Classification Scheme 2023. Collection method: clinical testing. Allele origin: germline.
Comment: The p.T693A variant (also known as c.2077A>G), located in coding exon 13 of the NPAT gene, results from an A to G substitution at nucleotide position 2077. The threonine at codon 693 is replaced by alanine, an amino acid with similar properties. This amino acid position is conserved. In addition, this alteration is predicted to be tolerated by in silico analysis. Since supporting evidence is limited at this time, the clinical significance of this alteration remains unclear.

NM_002519.3(NPAT):c.2077A>G (p.Thr693Ala)

Gene: NPAT (nuclear protein, coactivator of histone transcription; minus strand). Cytogenetic location: 11q22.3.
Variant type: single nucleotide variant.
Coding change: c.2077A>G on transcript NM_002519.3 (MANE Select); coding-DNA position 2077, A replaced by G.
Protein change: p.Thr693Ala; replaces threonine 693 with alanine.
Molecular consequence: missense variant.
Genome position (GRCh38, 1-based): chr11:108,172,907, T>C on the plus strand (A>G on the coding strand, the complement: NPAT is on the minus strand). VCF-style: chr11-108172907-T-C. GRCh37 (hg19) VCF-style: chr11-108043634-T-C.
Other names: c.2077A>G, p.Thr693Ala (NM_001321307.1); short protein forms T693A.
Identifiers: ClinVar variation 2587671 (VCV002587671.2), dbSNP rs2496718776, ClinGen allele CA382513736.
Genomic context (GRCh38, chr11:108,172,907, plus strand): 5'-AATCTCCCACTGAAGAACACACAGATTCTGGAGGAAGAGAGTGACTGTTTTCTACAGGAG[T>C]GCCTTCTGGAGGCGTCAGTGCAACTTTCTCACAGTTAGCATTTCCACCTAAAGAGAGAAA-3'
Protein context (NP_002510.2, residues 683-703): EKVALTPPEG[Thr693Ala]PVENSHSLPP